The following is an entry in ClinVar:

NM_003070.5(SMARCA2):c.2027A>T (p.Gln676Leu)

Gene: SMARCA2 (SWI/SNF related BAF chromatin remodeling complex subunit ATPase 2; plus strand). Cytogenetic location: 9p24.3.
Variant type: single nucleotide variant.
Coding change: c.2027A>T on transcript NM_003070.5 (MANE Select); coding-DNA position 2027, A replaced by T.
Protein change: p.Gln676Leu; replaces glutamine 676 with leucine.
Molecular consequence: missense variant.
Genome position (GRCh38, 1-based): chr9:2,076,320, A>T. VCF-style: chr9-2076320-A-T. GRCh37 (hg19) VCF-style: chr9-2076320-A-T.
Other names: c.2027A>T, p.Gln676Leu (NM_001289396.2, NM_001289397.2, NM_139045.4); short protein forms Q676L.
Identifiers: ClinVar variation 2728021 (VCV002728021.3), dbSNP rs150383522, ClinGen allele CA4963341.
Genomic context (GRCh38, chr9:2,076,320, plus strand): 5'-CCGAAGAGAAAATACTCCTGGATCCAAATAGCGAAGAAGTTTCTGAGAAGGATGCTAAGC[A>T]GATCATTGAGTATGTACTGCATTTTTCCCTTGGAAATGCATTGCATGAGGATGATGCTTA-3'
Protein context (NP_003061.3, residues 666-686): SEEVSEKDAK[Gln676Leu]IIETAKQDVD

ClinVar aggregate classification (germline): Uncertain significance (1 of 4 stars; one submission).

Allele frequency attached by ClinVar (database versions not stated): ESP Exome Variant Server 0.00008; gnomAD 0.00009; ExAC 0.00003; TOPMed 0.00007; gnomAD exomes 0.00009.
gnomAD v4.1: 137 of 1,579,638 alleles (0.0087%); highest among the groups gnomAD compares: Non-Finnish European, 0.011%; no homozygotes.

Submission:

Labcorp Genetics (formerly Invitae), Labcorp
Classification: Uncertain significance. Last evaluated: 2025-03-25. Review status: criteria provided, single submitter. Criteria: Invitae Variant Classification Sherloc (09022015). Collection method: clinical testing. Allele origin: germline.
Comment: This sequence change replaces glutamine, which is neutral and polar, with leucine, which is neutral and non-polar, at codon 676 of the SMARCA2 protein (p.Gln676Leu). This variant is present in population databases (rs150383522, gnomAD 0.01%), and has an allele count higher than expected for a pathogenic variant. This missense change has been observed in individual(s) with neurodevelopmental disorder (PMID: 37500730). ClinVar contains an entry for this variant (Variation ID: 2728021). Invitae Evidence Modeling of protein sequence and biophysical properties (such as structural, functional, and spatial information, amino acid conservation, physicochemical variation, residue mobility, and thermodynamic stability) indicates that this missense variant is not expected to disrupt SMARCA2 protein function with a negative predictive value of 80%. In summary, the available evidence is currently insufficient to determine the role of this variant in disease. Therefore, it has been classified as a Variant of Uncertain Significance.

Literature cited by the submitters: PubMed 37500730.